The following is an entry in ClinVar:

ClinVar aggregate classification (germline): Pathogenic (1 of 4 stars; one submission).

Conditions:
X-linked severe congenital neutropenia (SCNX). Identifiers: Orphanet 86788, MedGen C1845987, MONDO:0010294, OMIM 300299.
Thrombocytopenia 1. Also called: X-Linked Thrombocytopenia (XLT); THROMBOCYTOPENIA, X-LINKED, 1; X-linked thrombocytopenia with normal platelets. Identifiers: Orphanet 268322, Orphanet 852, MedGen C1839163, MONDO:0010743, OMIM 313900.
Wiskott-Aldrich syndrome (WAS). Also called: WISKOTT-ALDRICH SYNDROME 1; Wiskott-aldrich syndrome, somatic; ALDRICH SYNDROME; IMMUNODEFICIENCY 2. Identifiers: Orphanet 906, MedGen C0043194, MONDO:0010518, OMIM 301000.

Submission:

Labcorp Genetics (formerly Invitae), Labcorp
Classification: Pathogenic for Wiskott-Aldrich syndrome; X-linked severe congenital neutropenia; Thrombocytopenia 1. Last evaluated: 2024-12-08. Review status: criteria provided, single submitter. Criteria: Invitae Variant Classification Sherloc (09022015). Collection method: clinical testing. Allele origin: germline.
Comment: This sequence change creates a premature translational stop signal (p.Gln146Lysfs*115) in the WAS gene. It is expected to result in an absent or disrupted protein product. Loss-of-function variants in WAS are known to be pathogenic (PMID: 15284122). This variant is not present in population databases (gnomAD no frequency). This premature translational stop signal has been observed in individual(s) with Wiskott-Aldrich syndrome (PMID: 19308710). This variant is also known as c.470delC (p.Gln146fsX260). ClinVar contains an entry for this variant (Variation ID: 853574). For these reasons, this variant has been classified as Pathogenic.

Literature cited by the submitters: PubMed 15284122; PubMed 19308710.

NM_000377.3(WAS):c.436del (p.Gln146fs)

Gene: WAS (WASP actin nucleation promoting factor; plus strand). Cytogenetic location: Xp11.23.
Variant type: Deletion.
Coding change: c.436del on transcript NM_000377.3 (MANE Select); coding-DNA position 436, one base deleted (C; older notation c.436delC).
Protein change: p.Gln146fs; shifts the reading frame from glutamine 146.
Molecular consequence: frameshift variant.
Genome position (GRCh38, 1-based): chrX:48,685,809, C deleted. VCF-style (leftmost placement, unchanged base first): chrX-48685808-AC-A. GRCh37 (hg19) VCF-style: chrX-48544197-AC-A.
Other names: short protein forms Q146fs.
Identifiers: ClinVar variation 853574 (VCV000853574.9), dbSNP rs2062417558, ClinGen allele CA916081267.
Genomic context (GRCh38, chrX:48,685,808, plus strand): 5'-GCTGAACTTTGCAGACGAGGACGAGGCCCAGGCCTTCCGGGCCCTCGTGCAGGAGAAGAT[AC>A]AAAAAAGGAATCAGAGGCAAAGTGGAGGTGAGGAGGCCACAGGGGAGGAAAGGAAGTTGG-3'